The following is an entry in ClinVar:

ClinVar aggregate classification (germline): Uncertain significance (1 of 4 stars; one submission).

Conditions:
ALG6-congenital disorder of glycosylation 1C (CDG1C). Also called: CDG Ic; CARBOHYDRATE-DEFICIENT GLYCOPROTEIN SYNDROME, TYPE I, WITH DEFICIENT GLYCOSYLATION OF DOLICHOL-LINKED OLIGOSACCHARIDE; CARBOHYDRATE-DEFICIENT GLYCOPROTEIN SYNDROME, TYPE V; Congenital disorder of glycosylation type 1C; Congenital disorder of glycosylation, type Ic. Identifiers: Orphanet 79320, MedGen C2930997, MONDO:0011291, OMIM 603147.

Allele frequency attached by ClinVar (database versions not stated): gnomAD 0.00001; gnomAD exomes 0.00001; TOPMed 0.00001; ExAC 0.00003; ESP Exome Variant Server 0.00015.
gnomAD v4.1: 8 of 1,613,404 alleles (0.0005%); highest among the groups gnomAD compares: Non-Finnish European, 0.00068%; no homozygotes.

Submission:

Labcorp Genetics (formerly Invitae), Labcorp
Classification: Uncertain significance for ALG6-congenital disorder of glycosylation 1C. Last evaluated: 2025-02-25. Review status: criteria provided, single submitter. Criteria: Invitae Variant Classification Sherloc (09022015). Collection method: clinical testing. Allele origin: germline.
Comment: This sequence change replaces lysine, which is basic and polar, with methionine, which is neutral and non-polar, at codon 226 of the ALG6 protein (p.Lys226Met). This variant is present in population databases (rs367881610, gnomAD 0.007%). This variant has not been reported in the literature in individuals affected with ALG6-related conditions. ClinVar contains an entry for this variant (Variation ID: 2079573). Invitae Evidence Modeling of protein sequence and biophysical properties (such as structural, functional, and spatial information, amino acid conservation, physicochemical variation, residue mobility, and thermodynamic stability) indicates that this missense variant is not expected to disrupt ALG6 protein function with a negative predictive value of 95%. In summary, the available evidence is currently insufficient to determine the role of this variant in disease. Therefore, it has been classified as a Variant of Uncertain Significance.

NM_013339.4(ALG6):c.677A>T (p.Lys226Met)

Gene: ALG6 (ALG6 alpha-1,3-glucosyltransferase; plus strand). Cytogenetic location: 1p31.3.
Variant type: single nucleotide variant.
Coding change: c.677A>T on transcript NM_013339.4 (MANE Select); coding-DNA position 677, A replaced by T.
Protein change: p.Lys226Met; replaces lysine 226 with methionine.
Molecular consequence: missense variant.
Genome position (GRCh38, 1-based): chr1:63,411,328, A>T. VCF-style: chr1-63411328-A-T. GRCh37 (hg19) VCF-style: chr1-63876999-A-T.
Other names: short protein forms K226M.
Identifiers: ClinVar variation 2079573 (VCV002079573.2), dbSNP rs367881610, ClinGen allele CA888215.